The following is an entry in ClinVar:

NM_006445.4(PRPF8):c.994T>A (p.Tyr332Asn)

Gene: PRPF8 (pre-mRNA processing factor 8; minus strand). Cytogenetic location: 17p13.3.
Variant type: single nucleotide variant.
Coding change: c.994T>A on transcript NM_006445.4 (MANE Select); coding-DNA position 994, T replaced by A.
Protein change: p.Tyr332Asn; replaces tyrosine 332 with asparagine.
Molecular consequence: missense variant.
Genome position (GRCh38, 1-based): chr17:1,680,830, A>T on the plus strand (T>A on the coding strand, the complement: PRPF8 is on the minus strand). VCF-style: chr17-1680830-A-T. GRCh37 (hg19) VCF-style: chr17-1584124-A-T.
Other names: short protein forms Y332N.
Identifiers: ClinVar variation 3669893 (VCV003669893.2).

ClinVar aggregate classification (germline): Uncertain significance (1 of 4 stars; one submission).

Submission:

Labcorp Genetics (formerly Invitae), Labcorp
Classification: Uncertain significance. Last evaluated: 2025-06-12. Review status: criteria provided, single submitter. Criteria: Invitae Variant Classification Sherloc (09022015). Collection method: clinical testing. Allele origin: germline.
Comment: This sequence change replaces tyrosine, which is neutral and polar, with asparagine, which is neutral and polar, at codon 332 of the PRPF8 protein (p.Tyr332Asn). This variant is not present in population databases (gnomAD no frequency). This variant has not been reported in the literature in individuals affected with PRPF8-related conditions. ClinVar contains an entry for this variant (Variation ID: 3669893). An algorithm developed to predict the effect of missense changes on protein structure and function (PolyPhen-2) suggests that this variant is likely to be disruptive. In summary, the available evidence is currently insufficient to determine the role of this variant in disease. Therefore, it has been classified as a Variant of Uncertain Significance.